The following is an entry in ClinVar:

NM_003079.5(SMARCE1):c.1003G>A (p.Asp335Asn)

Gene: SMARCE1 (SWI/SNF related BAF chromatin remodeling complex subunit E1; minus strand). Cytogenetic location: 17q21.2.
Variant type: single nucleotide variant.
Coding change: c.1003G>A on transcript NM_003079.5 (MANE Select); coding-DNA position 1003, G replaced by A.
Protein change: p.Asp335Asn; replaces aspartic acid 335 with asparagine.
Molecular consequence: missense variant.
Genome position (GRCh38, 1-based): chr17:40,630,738, C>T on the plus strand (G>A on the coding strand, the complement: SMARCE1 is on the minus strand). VCF-style: chr17-40630738-C-T. GRCh37 (hg19) VCF-style: chr17-38786990-C-T.
Other names: short protein forms D335N.
Identifiers: ClinVar variation 532238 (VCV000532238.15), dbSNP rs767569116, ClinGen allele CA8545119.

ClinVar aggregate classification (germline): Conflicting classifications of pathogenicity. Review status: criteria provided, conflicting classifications (1 of 4 stars). 3 submissions from 3 submitters: Uncertain significance (2); Likely benign (1). Last evaluated 2025-03-17.

Conditions:
Familial meningioma. Also called: Meningioma, familial, susceptibility to. Identifiers: Orphanet 263662, MedGen C3551915, MONDO:0011789, OMIM 607174.
Hereditary cancer-predisposing syndrome. Also called: Hereditary neoplastic syndrome; Neoplastic Syndromes, Hereditary; Tumor predisposition; Hereditary Cancer Syndrome. Identifiers: Orphanet 140162, MedGen C0027672, MeSH D009386, MONDO:0015356.

Allele frequency attached by ClinVar (database versions not stated): gnomAD exomes below 0.00001; ExAC 0.00001; gnomAD 0.00001; TOPMed 0.00001.
gnomAD v4.1: 9 of 1,613,972 alleles (0.00056%); highest among the groups gnomAD compares: East Asian, 0.0022%; no homozygotes.

Submissions (3):

Labcorp Genetics (formerly Invitae), Labcorp
Classification: Uncertain significance for Familial meningioma. Last evaluated: 2025-03-17. Review status: criteria provided, single submitter. Criteria: Invitae Variant Classification Sherloc (09022015). Collection method: clinical testing. Allele origin: germline.
Comment: This sequence change replaces aspartic acid, which is acidic and polar, with asparagine, which is neutral and polar, at codon 335 of the SMARCE1 protein (p.Asp335Asn). This variant is present in population databases (rs767569116, gnomAD 0.005%). This variant has not been reported in the literature in individuals affected with SMARCE1-related conditions. ClinVar contains an entry for this variant (Variation ID: 532238). Invitae Evidence Modeling of protein sequence and biophysical properties (such as structural, functional, and spatial information, amino acid conservation, physicochemical variation, residue mobility, and thermodynamic stability) indicates that this missense variant is not expected to disrupt SMARCE1 protein function with a negative predictive value of 80%. In summary, the available evidence is currently insufficient to determine the role of this variant in disease. Therefore, it has been classified as a Variant of Uncertain Significance.

Ambry Genetics
Classification: Likely benign for Hereditary cancer-predisposing syndrome. Last evaluated: 2024-05-21. Review status: criteria provided, single submitter. Criteria: Ambry Variant Classification Scheme 2023. Collection method: clinical testing. Allele origin: germline.

GeneDx
Classification: Uncertain significance. Last evaluated: 2024-03-20. Review status: criteria provided, single submitter. Criteria: GeneDx Variant Classification Process June 2021. Collection method: clinical testing. Allele origin: germline. Affected: yes.
Comment: In silico analysis supports that this missense variant does not alter protein structure/function; Has not been previously published as pathogenic or benign to our knowledge; This variant is associated with the following publications: (PMID: 19245665)